The following is an entry in ClinVar:

NM_138477.4(CDAN1):c.287C>T (p.Ala96Val)

Genes: CDAN1 (codanin 1; minus strand), LOC130056931 (ATAC-STARR-seq lymphoblastoid silent region 6376; plus strand). Cytogenetic location: 15q15.2.
Variant type: single nucleotide variant.
Coding change: c.287C>T on transcript NM_138477.4 (MANE Select); coding-DNA position 287, C replaced by T.
Protein change: p.Ala96Val; replaces alanine 96 with valine.
Molecular consequence: missense variant.
Genome position (GRCh38, 1-based): chr15:42,736,584, G>A on the plus strand (C>T on the coding strand, the complement: CDAN1 is on the minus strand). VCF-style: chr15-42736584-G-A. GRCh37 (hg19) VCF-style: chr15-43028782-G-A.
Other names: p.Ala96Val; short protein forms A96V.
Identifiers: ClinVar variation 2683294 (VCV002683294.2), dbSNP rs934220682, ClinGen allele CA269915604.

ClinVar aggregate classification (germline): Uncertain significance. Review status: criteria provided, multiple submitters, no conflicts (2 of 4 stars). 2 submissions from 2 submitters: Uncertain significance (2). Last evaluated 2024-09-11.

gnomAD v4.1: 6 of 1,491,544 alleles (0.0004%); highest among the groups gnomAD compares: African/African-American, 0.0015%; no homozygotes.

Submissions (2):

Blueprint Genetics
Classification: Uncertain significance. Last evaluated: 2024-09-11. Review status: criteria provided, single submitter. Criteria: ACMG Guidelines, 2015. Collection method: clinical testing. Allele origin: germline.

Mayo Clinic Laboratories, Mayo Clinic
Classification: Uncertain significance. Last evaluated: 2023-05-24. Review status: criteria provided, single submitter. Criteria: ACMG Guidelines, 2015. Collection method: clinical testing. Allele origin: germline. Observed: 1 variant allele.
Comment: BP4, PM2